The following is an entry in ClinVar:

NM_000018.4(ACADVL):c.854A>T (p.Glu285Val)

Gene: ACADVL (acyl-CoA dehydrogenase very long chain; plus strand). Cytogenetic location: 17p13.1.
Variant type: single nucleotide variant.
Coding change: c.854A>T on transcript NM_000018.4 (MANE Select); coding-DNA position 854, A replaced by T.
Protein change: p.Glu285Val; replaces glutamic acid 285 with valine.
Molecular consequence: missense variant.
Genome position (GRCh38, 1-based): chr17:7,222,278, A>T. VCF-style: chr17-7222278-A-T. GRCh37 (hg19) VCF-style: chr17-7125597-A-T.
Other names: c.788A>T, p.Glu263Val (NM_001033859.3); c.923A>T, p.Glu308Val (NM_001270447.2); c.626A>T, p.Glu209Val (NM_001270448.2); short protein forms E209V, E263V, E285V, E308V.
Identifiers: ClinVar variation 1995959 (VCV001995959.4), dbSNP rs2508305732, ClinGen allele CA397723827.
Genomic context (GRCh38, chr17:7,222,278, plus strand): 5'-CACCAGTTACAGATCCAGCCACAGGAGCCGTGAAGGAGAAGATCACAGCTTTTGTGGTGG[A>T]GAGGGGCTTCGGGGGCATTACCCAGTGAGTGAATTTGGGTTGGGGGAGCTTAGGACTGAG-3'
Protein context (NP_000009.1, residues 275-295): VKEKITAFVV[Glu285Val]RGFGGITHGP

ClinVar aggregate classification (germline): Likely pathogenic (1 of 4 stars; one submission).

Conditions:
Very long chain acyl-CoA dehydrogenase deficiency (ACADVLD). Also called: Very Long-Chain Acyl-Coenzyme A Dehydrogenase Deficiency; VLCAD Deficiency. Identifiers: Orphanet 26793, MedGen C3887523, MONDO:0008723, OMIM 201475.

Submission:

Labcorp Genetics (formerly Invitae), Labcorp
Classification: Likely pathogenic for Very long chain acyl-CoA dehydrogenase deficiency. Last evaluated: 2022-10-03. Review status: criteria provided, single submitter. Criteria: Invitae Variant Classification Sherloc (09022015). Collection method: clinical testing. Allele origin: germline.
Comment: This variant is not present in population databases (gnomAD no frequency). This sequence change replaces glutamic acid, which is acidic and polar, with valine, which is neutral and non-polar, at codon 285 of the ACADVL protein (p.Glu285Val). This variant has not been reported in the literature in individuals affected with ACADVL-related conditions. In summary, the currently available evidence indicates that the variant is pathogenic, but additional data are needed to prove that conclusively. Therefore, this variant has been classified as Likely Pathogenic. This variant disrupts the p.Glu285 amino acid residue in ACADVL. Other variant(s) that disrupt this residue have been determined to be pathogenic (PMID: 27538624; Invitae). This suggests that this residue is clinically significant, and that variants that disrupt this residue are likely to be disease-causing. Algorithms developed to predict the effect of sequence changes on RNA splicing suggest that this variant may disrupt the consensus splice site. Advanced modeling of protein sequence and biophysical properties (such as structural, functional, and spatial information, amino acid conservation, physicochemical variation, residue mobility, and thermodynamic stability) performed at Invitae indicates that this missense variant is expected to disrupt ACADVL protein function.

Literature cited by the submitters: PubMed 27538624.